The following is an entry in ClinVar:

ClinVar aggregate classification (germline): Uncertain significance. Review status: criteria provided, multiple submitters, no conflicts (2 of 4 stars). 3 submissions from 3 submitters: Uncertain significance (3). Last evaluated 2024-10-14.

Conditions:
Inborn genetic diseases. Identifiers: MedGen C0950123, MeSH D030342.

Allele frequency attached by ClinVar (database versions not stated): gnomAD exomes 0.00006; ExAC 0.00007; gnomAD 0.00018 and 0.00019; TOPMed 0.00025; 1000 Genomes Project 30x 0.00031; ESP Exome Variant Server 0.00031; 1000 Genomes Project 0.00040.
gnomAD v4.1: 91 of 1,614,202 alleles (0.0056%); highest among the groups gnomAD compares: Middle Eastern, 0.18%; no homozygotes.

Submissions (3):

Blueprint Genetics
Classification: Uncertain significance. Last evaluated: 2024-10-14. Review status: criteria provided, single submitter. Criteria: ACMG Guidelines, 2015. Collection method: clinical testing. Allele origin: germline.

Ambry Genetics
Classification: Uncertain significance for Inborn genetic diseases. Last evaluated: 2024-06-10. Review status: criteria provided, single submitter. Criteria: Ambry Variant Classification Scheme 2023. Collection method: clinical testing. Allele origin: germline.

Labcorp Genetics (formerly Invitae), Labcorp
Classification: Uncertain significance. Last evaluated: 2022-08-22. Review status: criteria provided, single submitter. Criteria: Invitae Variant Classification Sherloc (09022015). Collection method: clinical testing. Allele origin: germline.
Comment: This sequence change replaces serine, which is neutral and polar, with leucine, which is neutral and non-polar, at codon 487 of the CCDC8 protein (p.Ser487Leu). This variant is present in population databases (rs145780413, gnomAD 0.04%). This variant has not been reported in the literature in individuals affected with CCDC8-related conditions. ClinVar contains an entry for this variant (Variation ID: 1522272). Algorithms developed to predict the effect of missense changes on protein structure and function are either unavailable or do not agree on the potential impact of this missense change (SIFT: "Deleterious"; PolyPhen-2: "Possibly Damaging"; Align-GVGD: "Class C0"). In summary, the available evidence is currently insufficient to determine the role of this variant in disease. Therefore, it has been classified as a Variant of Uncertain Significance.

NM_032040.5(CCDC8):c.1460C>T (p.Ser487Leu)

Gene: CCDC8 (coiled-coil domain containing 8 subunit of 3M complex; minus strand). Cytogenetic location: 19q13.32.
Variant type: single nucleotide variant.
Coding change: c.1460C>T on transcript NM_032040.5 (MANE Select); coding-DNA position 1460, C replaced by T.
Protein change: p.Ser487Leu; replaces serine 487 with leucine.
Molecular consequence: missense variant.
Genome position (GRCh38, 1-based): chr19:46,411,351, G>A on the plus strand (C>T on the coding strand, the complement: CCDC8 is on the minus strand). VCF-style: chr19-46411351-G-A. GRCh37 (hg19) VCF-style: chr19-46914608-G-A.
Other names: c.1460C>T (NM_032040.3); short protein forms S487L.
Identifiers: ClinVar variation 1522272 (VCV001522272.6), dbSNP rs145780413, ClinGen allele CA9528478.